The following is an entry in ClinVar:

ClinVar aggregate classification (germline): Uncertain significance (1 of 4 stars; one submission).

Conditions:
Inborn genetic diseases. Identifiers: MedGen C0950123, MeSH D030342.

Allele frequency attached by ClinVar (database versions not stated): gnomAD 0.00001.
gnomAD v4.1: 2 of 1,613,938 alleles (0.00012%); highest among the groups gnomAD compares: East Asian, 0.0022%; no homozygotes.

Submission:

Ambry Genetics
Classification: Uncertain significance for Inborn genetic diseases. Last evaluated: 2018-11-10. Review status: criteria provided, single submitter. Criteria: Ambry Variant Classification Scheme 2023. Collection method: clinical testing. Allele origin: germline.
Comment: The p.A187T variant (also known as c.559G>A), located in coding exon 2 of the TRAPPC9 gene, results from a G to A substitution at nucleotide position 559. The alanine at codon 187 is replaced by threonine, an amino acid with similar properties. This amino acid position is not well conserved in available vertebrate species. In addition, this alteration is predicted to be tolerated by in silico analysis. Since supporting evidence is limited at this time, the clinical significance of this alteration remains unclear.

NM_001160372.4(TRAPPC9):c.265G>A (p.Ala89Thr)

Gene: TRAPPC9 (trafficking protein particle complex subunit 9; minus strand). Cytogenetic location: 8q24.3.
Variant type: single nucleotide variant.
Coding change: c.265G>A on transcript NM_001160372.4 (MANE Select); coding-DNA position 265, G replaced by A.
Protein change: p.Ala89Thr; replaces alanine 89 with threonine.
Molecular consequence: missense variant. On other transcripts: non-coding transcript variant (1).
Genome position (GRCh38, 1-based): chr8:140,451,109, C>T on the plus strand (G>A on the coding strand, the complement: TRAPPC9 is on the minus strand). VCF-style: chr8-140451109-C-T. GRCh37 (hg19) VCF-style: chr8-141461208-C-T.
Other names: c.265G>A, p.Ala89Thr (NM_001321646.2, NM_001374682.1, NM_001374683.1 and 2 more transcripts); short protein forms A89T.
Identifiers: ClinVar variation 1748532 (VCV001748532.2), dbSNP rs2540544365, ClinGen allele CA372318724.